The following is an entry in ClinVar:

NM_002755.4(MAP2K1):c.636C>T (p.Ser212=)

Gene: MAP2K1 (mitogen-activated protein kinase kinase 1; plus strand). Cytogenetic location: 15q22.31.
Variant type: single nucleotide variant.
Coding change: c.636C>T on transcript NM_002755.4 (MANE Select); coding-DNA position 636, C replaced by T.
Protein change: p.Ser212=; no amino-acid change (serine 212 retained).
Molecular consequence: synonymous variant.
Genome position (GRCh38, 1-based): chr15:66,481,822, C>T. VCF-style: chr15-66481822-C-T. GRCh37 (hg19) VCF-style: chr15-66774160-C-T.
Other names: p.S212S:AGC>AGT.
Identifiers: ClinVar variation 138156 (VCV000138156.17), dbSNP rs138466751, ClinGen allele CA291989.
Genomic context (GRCh38, chr15:66,481,822, plus strand): 5'-GCCCTCCAACATCCTAGTCAACTCCCGTGGGGAGATCAAGCTCTGTGACTTTGGGGTCAG[C>T]GGGCAGCTCATCGACTCCATGGCCAACTCCTTCGTGGGCACAAGGTCCTACATGTCGGTA-3'
Protein context (NP_002746.1, residues 202-222): GEIKLCDFGV[Ser212=]GQLIDSMANS

ClinVar aggregate classification (germline): Benign/Likely benign. Review status: criteria provided, multiple submitters, no conflicts (2 of 4 stars). 6 submissions from 6 submitters: Benign (2); Likely benign (3). 1 of the submissions does not count toward it. Last evaluated 2026-01-13.

Conditions:
MAP2K1-related disorder. Also called: MAP2K1-related condition; MAP2K1-related disorders.
Cardiovascular phenotype. Identifiers: MedGen CN230736.
RASopathy. Also called: Noonan spectrum disorder; rasopathies. Identifiers: Orphanet 536391, MedGen C5555857, MONDO:0021060.

Allele frequency attached by ClinVar (database versions not stated): ExAC 0.00006; gnomAD exomes 0.00006 and 0.00019; gnomAD 0.00009 and 0.00011; TOPMed 0.00009; ESP Exome Variant Server 0.00054.
gnomAD v4.1: 294 of 1,613,784 alleles (0.018%); highest among the groups gnomAD compares: Non-Finnish European, 0.022%; no homozygotes.

Submissions (6):

Labcorp Genetics (formerly Invitae), Labcorp
Classification: Likely benign for RASopathy. Last evaluated: 2026-01-13. Review status: criteria provided, single submitter. Criteria: Invitae Variant Classification Sherloc (09022015). Collection method: clinical testing. Allele origin: germline.

Blueprint Genetics
Classification: Likely benign. Last evaluated: 2023-11-21. Review status: criteria provided, single submitter. Criteria: ACMG Guidelines, 2015. Collection method: clinical testing. Allele origin: germline.

Ambry Genetics
Classification: Likely benign for Cardiovascular phenotype. Last evaluated: 2022-03-17. Review status: criteria provided, single submitter. Criteria: Ambry Variant Classification Scheme 2023. Collection method: clinical testing. Allele origin: germline.

Women's Health and Genetics/Laboratory Corporation of America, LabCorp
Classification: Benign. Last evaluated: 2021-02-22. Review status: criteria provided, single submitter. Criteria: LabCorp Variant Classification Summary - May 2015. Collection method: clinical testing. Allele origin: germline.

GeneDx
Classification: Benign. Last evaluated: 2014-03-06. Review status: criteria provided, single submitter. Criteria: GeneDx Variant Classification (06012015). Collection method: clinical testing. Allele origin: germline. Affected: yes.
Comment: This variant is considered likely benign or benign based on one or more of the following criteria: it is a conservative change, it occurs at a poorly conserved position in the protein, it is predicted to be benign by multiple in silico algorithms, and/or has population frequency not consistent with disease.

PreventionGenetics, part of Exact Sciences
Classification: Likely benign for MAP2K1-related condition. Last evaluated: 2023-05-06. Review status: no assertion criteria provided. Collection method: clinical testing. Allele origin: germline. Not counted in ClinVar's aggregate classification.
Comment: This variant is classified as likely benign based on ACMG/AMP sequence variant interpretation guidelines (Richards et al. 2015 PMID: 25741868, with internal and published modifications).